The following is an entry in ClinVar:

ClinVar aggregate classification (germline): Pathogenic. Review status: criteria provided, multiple submitters, no conflicts (2 of 4 stars). 2 submissions from 2 submitters: Pathogenic (2). Last evaluated 2025-10-11.

Conditions:
Monogenic hearing loss.
Autosomal recessive nonsyndromic hearing loss 84A. Also called: DEAFNESS, AUTOSOMAL RECESSIVE 84A; DEAFNESS, AUTOSOMAL RECESSIVE 84A, WITH VESTIBULAR DYSFUNCTION. Identifiers: Orphanet 90636, MedGen C3150654, MONDO:0013249, OMIM 613391.

gnomAD v4.1: 1 of 1,550,840 alleles (0.000064%); highest among the groups gnomAD compares: Non-Finnish European, 0.000087%; no homozygotes.

Submissions (2):

Genetics Laboratory, Great Ormond Street Hospital NHS Foundation Trust, North Thames Genomic Laboratory Hub
Classification: Pathogenic for Monogenic hearing loss. Last evaluated: 2025-10-11. Review status: criteria provided, single submitter. Criteria: ACGS Best Practice Guidelines for Variant Classification in Rare Disease 2024 v1.2. Collection method: clinical testing. Allele origin: germline. Affected: yes.
Comment: PM2_moderate, PVS1_very-strong, PM3_supporting

Hereditary Hearing Loss Research Unit, University of Madras
Classification: Pathogenic for Autosomal recessive nonsyndromic hearing loss 84A. Review status: criteria provided, single submitter. Criteria: ACMG Guidelines, 2015. Collection method: case-control. Allele origin: germline. Inheritance: Autosomal recessive inheritance. Affected: yes. Observed: 3 variant alleles, 3 homozygotes. Clinical features observed: DEAFNESS, AUTOSOMAL RECESSIVE 84A.

NM_001145026.2(PTPRQ):c.4006C>T (p.Gln1336Ter)

Gene: PTPRQ (protein tyrosine phosphatase receptor type Q; plus strand). Cytogenetic location: 12q21.31.
Variant type: single nucleotide variant.
Coding change: c.4006C>T on transcript NM_001145026.2 (MANE Select); coding-DNA position 4006, C replaced by T.
Protein change: p.Gln1336Ter; replaces glutamine 1336 with a stop codon.
Molecular consequence: nonsense.
Genome position (GRCh38, 1-based): chr12:80,546,688, C>T. VCF-style: chr12-80546688-C-T. GRCh37 (hg19) VCF-style: chr12-80940467-C-T.
Other names: short protein forms Q1336*.
Identifiers: ClinVar variation 973493 (VCV000973493.3), dbSNP rs1896318374, ClinGen allele CA385878011.